The following is an entry in ClinVar:

NM_001385125.1(OPN1SW):c.847A>G (p.Thr283Ala)

Gene: OPN1SW (opsin 1, short wave sensitive; minus strand). Cytogenetic location: 7q32.1.
Variant type: single nucleotide variant.
Coding change: c.847A>G on transcript NM_001385125.1 (MANE Select); coding-DNA position 847, A replaced by G.
Protein change: p.Thr283Ala; replaces threonine 283 with alanine.
Molecular consequence: missense variant.
Genome position (GRCh38, 1-based): chr7:128,773,720, T>C on the plus strand (A>G on the coding strand, the complement: OPN1SW is on the minus strand). VCF-style: chr7-128773720-T-C. GRCh37 (hg19) VCF-style: chr7-128413774-T-C.
Other names: NM_001708.2:c.856A>G; short protein forms T283A.
Identifiers: ClinVar variation 1426399 (VCV001426399.9), dbSNP rs140313670, ClinGen allele CA4472815.

ClinVar aggregate classification (germline): Uncertain significance. Review status: criteria provided, multiple submitters, no conflicts (2 of 4 stars). 2 submissions from 2 submitters: Uncertain significance (2). Last evaluated 2024-08-02.

Allele frequency attached by ClinVar (database versions not stated): gnomAD exomes 0.00001 and 0.00002; gnomAD 0.00006; ESP Exome Variant Server 0.00008; TOPMed 0.00009; 1000 Genomes Project 30x 0.00031; 1000 Genomes Project 0.00040.

Submissions (2):

Ambry Genetics
Classification: Uncertain significance. Last evaluated: 2024-08-02. Review status: criteria provided, single submitter. Criteria: Ambry Variant Classification Scheme 2023. Collection method: clinical testing. Allele origin: germline.

Labcorp Genetics (formerly Invitae), Labcorp
Classification: Uncertain significance. Last evaluated: 2024-04-17. Review status: criteria provided, single submitter. Criteria: Invitae Variant Classification Sherloc (09022015). Collection method: clinical testing. Allele origin: germline.
Comment: This sequence change replaces threonine, which is neutral and polar, with alanine, which is neutral and non-polar, at codon 286 of the OPN1SW protein (p.Thr286Ala). This variant is present in population databases (rs140313670, gnomAD 0.02%). This variant has not been reported in the literature in individuals affected with OPN1SW-related conditions. ClinVar contains an entry for this variant (Variation ID: 1426399). An algorithm developed to predict the effect of missense changes on protein structure and function (PolyPhen-2) suggests that this variant is likely to be tolerated. In summary, the available evidence is currently insufficient to determine the role of this variant in disease. Therefore, it has been classified as a Variant of Uncertain Significance.